The following is an entry in ClinVar:

NM_005529.7(HSPG2):c.9709+3G>A

Gene: HSPG2 (heparan sulfate proteoglycan 2; minus strand). Cytogenetic location: 1p36.12.
Variant type: single nucleotide variant.
Coding change: c.9709+3G>A on transcript NM_005529.7 (MANE Select); 3 bases into the intron after coding-DNA position 9709, G replaced by A.
Molecular consequence: intron variant.
Genome position (GRCh38, 1-based): chr1:21,839,819, C>T on the plus strand (G>A on the coding strand, the complement: HSPG2 is on the minus strand). VCF-style: chr1-21839819-C-T. GRCh37 (hg19) VCF-style: chr1-22166312-C-T.
Other names: c.9712+3G>A (NM_001291860.2); c.9709+3G>A (NM_005529.6).
Identifiers: ClinVar variation 1907793 (VCV001907793.5), dbSNP rs369907786, ClinGen allele CA670370.
Genomic context (GRCh38, chr1:21,839,819, plus strand): 5'-CTACATTTCAGACCCCAGGGCATCCCTGCCCTGCCAGCCCTATGTGCCAGCCCTTGGTCA[C>T]ACCTGTGGCTGAGCAGCGCAAGGTGGCCGTGTGTCCAGCCTCCACAGTCAGCTCAGCTTC-3'

ClinVar aggregate classification (germline): Uncertain significance. Review status: criteria provided, multiple submitters, no conflicts (2 of 4 stars). 3 submissions from 3 submitters: Uncertain significance (3). Last evaluated 2023-08-10.

Conditions:
Inborn genetic diseases. Identifiers: MedGen C0950123, MeSH D030342.

Allele frequency attached by ClinVar (database versions not stated): gnomAD 0.00001; ExAC 0.00002; gnomAD exomes 0.00003; TOPMed 0.00003; ESP Exome Variant Server 0.00015.
gnomAD v4.1: 44 of 1,613,152 alleles (0.0027%); highest among the groups gnomAD compares: Non-Finnish European, 0.0036%; no homozygotes.

Submissions (3):

Labcorp Genetics (formerly Invitae), Labcorp
Classification: Uncertain significance. Last evaluated: 2023-08-10. Review status: criteria provided, single submitter. Criteria: Invitae Variant Classification Sherloc (09022015). Collection method: clinical testing. Allele origin: germline.
Comment: This variant is present in population databases (rs369907786, gnomAD 0.003%). This sequence change falls in intron 72 of the HSPG2 gene. It does not directly change the encoded amino acid sequence of the HSPG2 protein. It affects a nucleotide within the consensus splice site. This variant has not been reported in the literature in individuals affected with HSPG2-related conditions. In summary, the available evidence is currently insufficient to determine the role of this variant in disease. Therefore, it has been classified as a Variant of Uncertain Significance. Variants that disrupt the consensus splice site are a relatively common cause of aberrant splicing (PMID: 17576681, 9536098). Algorithms developed to predict the effect of sequence changes on RNA splicing suggest that this variant is not likely to affect RNA splicing. ClinVar contains an entry for this variant (Variation ID: 1907793).

Athena Diagnostics
Classification: Uncertain significance. Last evaluated: 2022-10-10. Review status: criteria provided, single submitter. Criteria: Athena Diagnostics Criteria. Collection method: clinical testing. Allele origin: unknown.
Comment: Available data are insufficient to determine the clinical significance of the variant at this time. The frequency of this variant in the general population is uninformative in assessment of its pathogenicity. Computational tools yielded predictions that this variant is unlikely to have an effect on normal RNA splicing.

Ambry Genetics
Classification: Uncertain significance for Inborn genetic diseases. Last evaluated: 2021-05-17. Review status: criteria provided, single submitter. Criteria: Ambry Variant Classification Scheme 2023. Collection method: clinical testing. Allele origin: germline.
Comment: The c.9709+3G>A intronic alteration consists of a G to A substitution 3 nucleotides after exon 71 (coding exon 71) of the HSPG2 gene. Based on insufficient or conflicting evidence, the clinical significance of this alteration remains unclear.

Literature cited by the submitters: PubMed 17576681 (cited by Labcorp Genetics (formerly Invitae), Labcorp); PubMed 9536098 (cited by Labcorp Genetics (formerly Invitae), Labcorp).